The following is an entry in ClinVar:

NM_022124.6(CDH23):c.6829G>A (p.Ala2277Thr)

Gene: CDH23 (cadherin related 23; plus strand). Cytogenetic location: 10q22.1.
Variant type: single nucleotide variant.
Coding change: c.6829G>A on transcript NM_022124.6 (MANE Select); coding-DNA position 6829, G replaced by A.
Protein change: p.Ala2277Thr; replaces alanine 2277 with threonine.
Molecular consequence: missense variant.
Genome position (GRCh38, 1-based): chr10:71,797,220, G>A. VCF-style: chr10-71797220-G-A. GRCh37 (hg19) VCF-style: chr10-73556977-G-A.
Other names: c.109G>A, p.Ala37Thr (NM_001171933.1, NM_001171934.1); short protein forms A2277T, A37T.
Identifiers: ClinVar variation 3601555 (VCV003601555.1).

ClinVar aggregate classification (germline): Likely pathogenic (1 of 4 stars; one submission).

Conditions:
Autosomal recessive nonsyndromic hearing loss 12. Also called: DEAFNESS, AUTOSOMAL RECESSIVE 12. Identifiers: Orphanet 90636, MedGen C1832394, MONDO:0011067, OMIM 601386.

gnomAD v4.1: 1 of 1,604,610 alleles (0.000062%); highest among the groups gnomAD compares: East Asian, 0.0022%; no homozygotes.

Submission:

Institute of Rare Diseases, West China Hospital, Sichuan University
Classification: Likely pathogenic for Autosomal recessive nonsyndromic hearing loss 12. Last evaluated: 2025-01-09. Review status: criteria provided, single submitter. Criteria: ClinGen HL ACMG Specifications v1. Collection method: research. Allele origin: germline. Affected: yes.
Comment: PM3;PM5;PM2_Supporting;PP3